The following is an entry in ClinVar:

ClinVar aggregate classification (germline): Uncertain significance. Review status: criteria provided, multiple submitters, no conflicts (2 of 4 stars). 2 submissions from 2 submitters: Uncertain significance (2). Last evaluated 2025-11-27.

Conditions:
Inborn genetic diseases. Identifiers: MedGen C0950123, MeSH D030342.

Allele frequency attached by ClinVar (database versions not stated): gnomAD 0.00004; TOPMed 0.00006.
gnomAD v4.1: 45 of 1,614,024 alleles (0.0028%); highest among the groups gnomAD compares: Non-Finnish European, 0.0035%; no homozygotes.

Submissions (2):

Labcorp Genetics (formerly Invitae), Labcorp
Classification: Uncertain significance. Last evaluated: 2025-11-27. Review status: criteria provided, single submitter. Criteria: Invitae Variant Classification Sherloc (09022015). Collection method: clinical testing. Allele origin: germline.
Comment: This sequence change replaces valine, which is neutral and non-polar, with isoleucine, which is neutral and non-polar, at codon 1421 of the KMT2E protein (p.Val1421Ile). This variant is present in population databases (rs766600155, gnomAD 0.004%). This variant has not been reported in the literature in individuals affected with KMT2E-related conditions. ClinVar contains an entry for this variant (Variation ID: 2414591). Invitae Evidence Modeling of protein sequence and biophysical properties (such as structural, functional, and spatial information, amino acid conservation, physicochemical variation, residue mobility, and thermodynamic stability) indicates that this missense variant is not expected to disrupt KMT2E protein function with a negative predictive value of 80%. In summary, the available evidence is currently insufficient to determine the role of this variant in disease. Therefore, it has been classified as a Variant of Uncertain Significance.

Ambry Genetics
Classification: Uncertain significance for Inborn genetic diseases. Last evaluated: 2023-04-12. Review status: criteria provided, single submitter. Criteria: Ambry Variant Classification Scheme 2023. Collection method: clinical testing. Allele origin: germline.

NM_182931.3(KMT2E):c.4261G>A (p.Val1421Ile)

Gene: KMT2E (lysine methyltransferase 2E (inactive); plus strand). Cytogenetic location: 7q22.3.
Variant type: single nucleotide variant.
Coding change: c.4261G>A on transcript NM_182931.3 (MANE Select); coding-DNA position 4261, G replaced by A.
Protein change: p.Val1421Ile; replaces valine 1421 with isoleucine.
Molecular consequence: missense variant.
Genome position (GRCh38, 1-based): chr7:105,112,017, G>A. VCF-style: chr7-105112017-G-A. GRCh37 (hg19) VCF-style: chr7-104752464-G-A.
Other names: c.4135G>A, p.Val1379Ile (NM_001410908.1); c.4261G>A, p.Val1421Ile (NM_018682.4); c.4261G>A (NM_182931.2); short protein forms V1379I, V1421I.
Identifiers: ClinVar variation 2414591 (VCV002414591.9), dbSNP rs766600155, ClinGen allele CA4424717.